The following is an entry in ClinVar:

NM_000256.3(MYBPC3):c.2149-9dup

Gene: MYBPC3 (myosin binding protein C3; minus strand). Cytogenetic location: 11p11.2.
Variant type: Duplication.
Coding change: c.2149-9dup on transcript NM_000256.3 (MANE Select); 9 bases into the intron before coding-DNA position 2149, one base duplicated (C; older notation c.2149-9dupC).
Molecular consequence: intron variant.
Genome position (GRCh38, 1-based): chr11:47,338,682, G duplicated on the plus strand (C on the coding strand, the reverse complement: MYBPC3 is on the minus strand); the first of 7 consecutive G bases (chr11:47,338,682-47,338,688); duplicating any one gives the same sequence. VCF-style (leftmost placement, unchanged base first): chr11-47338681-T-TG. GRCh37 (hg19) VCF-style: chr11-47360232-T-TG.
Other names: c.2149-3dupC (NM_000256.3); c.2149-3dup (NM_000256.3).
Identifiers: ClinVar variation 454310 (VCV000454310.19), dbSNP rs748128261, ClinGen allele CA5975368.

ClinVar aggregate classification (germline): Benign/Likely benign. Review status: criteria provided, multiple submitters, no conflicts (2 of 4 stars). 6 submissions from 6 submitters: Benign (1); Likely benign (5). Last evaluated 2025-11-24.

Conditions:
MYBPC3-related disorder. Also called: MYBPC3-related disorders; MYBPC3-related condition; MYBPC3-related disease.
Cardiovascular phenotype. Identifiers: MedGen CN230736.
Cardiomyopathy (CMYO). Also called: Cardiomyopathies. Identifiers: Orphanet 167848, MedGen C0878544, MONDO:0004994, HP:0001638. Inheritance: Various modes of inheritance.
Hypertrophic cardiomyopathy. Also called: HYPERTROPHIC MYOCARDIOPATHY. Identifiers: Orphanet 217569, MedGen C0007194, MeSH D002312, MONDO:0005045, HP:0001639.

Submissions (6):

PreventionGenetics, part of Exact Sciences
Classification: Likely benign for MYBPC3-related condition. Last evaluated: 2025-11-24. Review status: criteria provided, single submitter. Criteria: ACMG Guidelines, 2015. Collection method: clinical testing. Allele origin: germline.
Comment: This variant is classified as likely benign based on ACMG/AMP sequence variant interpretation guidelines (Richards et al. 2015 PMID: 25741868, with internal and published modifications).

Labcorp Genetics (formerly Invitae), Labcorp
Classification: Benign for Hypertrophic cardiomyopathy. Last evaluated: 2025-10-21. Review status: criteria provided, single submitter. Criteria: Invitae Variant Classification Sherloc (09022015). Collection method: clinical testing. Allele origin: germline.

Ambry Genetics
Classification: Likely benign for Cardiovascular phenotype. Last evaluated: 2021-06-04. Review status: criteria provided, single submitter. Criteria: Ambry Variant Classification Scheme 2023. Collection method: clinical testing. Allele origin: germline.

Blueprint Genetics
Classification: Likely benign. Last evaluated: 2019-07-09. Review status: criteria provided, single submitter. Criteria: ACMG Guidelines, 2015. Collection method: clinical testing. Allele origin: germline.

Color Diagnostics, LLC DBA Color Health
Classification: Likely benign for Cardiomyopathy. Last evaluated: 2018-10-18. Review status: criteria provided, single submitter. Criteria: ACMG Guidelines, 2015. Collection method: clinical testing. Allele origin: germline.

GeneDx
Classification: Likely benign. Last evaluated: 2018-07-16. Review status: criteria provided, single submitter. Criteria: GeneDx Variant Classification Process June 2021. Collection method: clinical testing. Allele origin: germline. Affected: yes.